The following is an entry in ClinVar:

NM_003647.3(DGKE):c.679C>T (p.Arg227Cys)

Gene: DGKE (diacylglycerol kinase epsilon; plus strand). Cytogenetic location: 17q22.
Variant type: single nucleotide variant.
Coding change: c.679C>T on transcript NM_003647.3 (MANE Select); coding-DNA position 679, C replaced by T.
Protein change: p.Arg227Cys; replaces arginine 227 with cysteine.
Molecular consequence: missense variant.
Genome position (GRCh38, 1-based): chr17:56,845,744, C>T. VCF-style: chr17-56845744-C-T. GRCh37 (hg19) VCF-style: chr17-54923105-C-T.
Other names: c.679C>T (NM_003647.2); short protein forms R227C.
Identifiers: ClinVar variation 3698909 (VCV003698909.3).

ClinVar aggregate classification (germline): Uncertain significance. Review status: criteria provided, multiple submitters, no conflicts (2 of 4 stars). 2 submissions from 2 submitters: Uncertain significance (2). Last evaluated 2025-04-01.

Conditions:
Inborn genetic diseases. Identifiers: MedGen C0950123, MeSH D030342.

Submissions (2):

Ambry Genetics
Classification: Uncertain significance for Inborn genetic diseases. Last evaluated: 2025-04-01. Review status: criteria provided, single submitter. Criteria: Ambry Variant Classification Scheme 2023. Collection method: clinical testing. Allele origin: germline.

Labcorp Genetics (formerly Invitae), Labcorp
Classification: Uncertain significance. Last evaluated: 2024-06-25. Review status: criteria provided, single submitter. Criteria: Invitae Variant Classification Sherloc (09022015). Collection method: clinical testing. Allele origin: germline.
Comment: This sequence change replaces arginine, which is basic and polar, with cysteine, which is neutral and slightly polar, at codon 227 of the DGKE protein (p.Arg227Cys). The frequency data for this variant in the population databases is considered unreliable, as metrics indicate poor data quality at this position in the gnomAD database. This variant has not been reported in the literature in individuals affected with DGKE-related conditions. Advanced modeling of protein sequence and biophysical properties (such as structural, functional, and spatial information, amino acid conservation, physicochemical variation, residue mobility, and thermodynamic stability) performed at Invitae indicates that this missense variant is expected to disrupt DGKE protein function with a positive predictive value of 80%. In summary, the available evidence is currently insufficient to determine the role of this variant in disease. Therefore, it has been classified as a Variant of Uncertain Significance.